The following is an entry in ClinVar:

NM_021098.3(CACNA1H):c.2258G>C (p.Gly753Ala)

Gene: CACNA1H (calcium voltage-gated channel subunit alpha1 H; plus strand). Cytogenetic location: 16p13.3.
Variant type: single nucleotide variant.
Coding change: c.2258G>C on transcript NM_021098.3 (MANE Select); coding-DNA position 2258, G replaced by C.
Protein change: p.Gly753Ala; replaces glycine 753 with alanine.
Molecular consequence: missense variant.
Genome position (GRCh38, 1-based): chr16:1,204,265, G>C. VCF-style: chr16-1204265-G-C. GRCh37 (hg19) VCF-style: chr16-1254265-G-C.
Other names: c.2258G>C, p.Gly753Ala (NM_001005407.2); short protein forms G753A.
Identifiers: ClinVar variation 1437465 (VCV001437465.6), dbSNP rs767816214, ClinGen allele CA394166063.

ClinVar aggregate classification (germline): Uncertain significance (1 of 4 stars; one submission).

Conditions:
Idiopathic generalized epilepsy. Also called: EIG; Generalised epilepsy. Identifiers: MedGen C0270850, MONDO:0005579, OMIM 600669.
Hyperaldosteronism, familial, type IV (HALD4). Also called: FH IV; ALDOSTERONISM, PRIMARY, AND HYPERTENSION. Identifiers: Orphanet 642671, MedGen C4310756, MONDO:0014875, OMIM 617027.

Submission:

Labcorp Genetics (formerly Invitae), Labcorp
Classification: Uncertain significance for Idiopathic generalized epilepsy; Hyperaldosteronism, familial, type IV. Last evaluated: 2022-09-01. Review status: criteria provided, single submitter. Criteria: Invitae Variant Classification Sherloc (09022015). Collection method: clinical testing. Allele origin: germline.
Comment: This variant has not been reported in the literature in individuals affected with CACNA1H-related conditions. This variant is not present in population databases (gnomAD no frequency). This sequence change replaces glycine, which is neutral and non-polar, with alanine, which is neutral and non-polar, at codon 753 of the CACNA1H protein (p.Gly753Ala). ClinVar contains an entry for this variant (Variation ID: 1437465). In summary, the available evidence is currently insufficient to determine the role of this variant in disease. Therefore, it has been classified as a Variant of Uncertain Significance. Advanced modeling of protein sequence and biophysical properties (such as structural, functional, and spatial information, amino acid conservation, physicochemical variation, residue mobility, and thermodynamic stability) performed at Invitae indicates that this missense variant is not expected to disrupt CACNA1H protein function.